The following is an entry in ClinVar:

NM_020988.3(GNAO1):c.303+6C>T

Gene: GNAO1 (G protein subunit alpha o1; plus strand). Cytogenetic location: 16q13.
Variant type: single nucleotide variant.
Coding change: c.303+6C>T on transcript NM_020988.3 (MANE Select); 6 bases into the intron after coding-DNA position 303, C replaced by T.
Molecular consequence: intron variant.
Genome position (GRCh38, 1-based): chr16:56,276,078, C>T. VCF-style: chr16-56276078-C-T. GRCh37 (hg19) VCF-style: chr16-56309990-C-T.
Other names: c.303+6C>T (NM_138736.3).
Identifiers: ClinVar variation 461354 (VCV000461354.10), dbSNP rs1555504237, ClinGen allele CA658658473.
Genomic context (GRCh38, chr16:56,276,078, plus strand): 5'-CATCGTCCGGGCCATGGACACTTTGGGCATCGAATATGGTGATAAGGAGAGAAAGGTAGG[C>T]CCCTGAGCCCATAAGCACAGCAACAAGAGGTTCTGTCTGTGTTACCCCACTGCCTCCTCT-3'

ClinVar aggregate classification (germline): Uncertain significance (1 of 4 stars; one submission).

Conditions:
Early-infantile DEE. Also called: Early infantile epileptic encephalopathy; Early infantile epileptic encephalopathy with suppression bursts; Ohtahara syndrome. Identifiers: Orphanet 1934, MedGen C0393706, MONDO:0800491.

Submission:

Labcorp Genetics (formerly Invitae), Labcorp
Classification: Uncertain significance for Early-infantile DEE. Last evaluated: 2023-07-30. Review status: criteria provided, single submitter. Criteria: Invitae Variant Classification Sherloc (09022015). Collection method: clinical testing. Allele origin: germline.
Comment: This sequence change falls in intron 3 of the GNAO1 gene. It does not directly change the encoded amino acid sequence of the GNAO1 protein. It affects a nucleotide within the consensus splice site. This variant is not present in population databases (gnomAD no frequency). This variant has not been reported in the literature in individuals affected with GNAO1-related conditions. ClinVar contains an entry for this variant (Variation ID: 461354). Variants that disrupt the consensus splice site are a relatively common cause of aberrant splicing (PMID: 17576681, 9536098). Algorithms developed to predict the effect of sequence changes on RNA splicing suggest that this variant is not likely to affect RNA splicing. In summary, the available evidence is currently insufficient to determine the role of this variant in disease. Therefore, it has been classified as a Variant of Uncertain Significance.

Literature cited by the submitters: PubMed 17576681; PubMed 9536098.